The following is an entry in ClinVar:

NM_001369.3(DNAH5):c.12850dup (p.Tyr4284fs)

Gene: DNAH5 (dynein axonemal heavy chain 5; minus strand). Cytogenetic location: 5p15.2.
Variant type: Duplication.
Coding change: c.12850dup on transcript NM_001369.3 (MANE Select); coding-DNA position 12850, one base duplicated (T; older notation c.12850dupT).
Protein change: p.Tyr4284fs; shifts the reading frame from tyrosine 4284.
Molecular consequence: frameshift variant.
Genome position (GRCh38, 1-based): chr5:13,716,546, A duplicated on the plus strand (T on the coding strand, the reverse complement: DNAH5 is on the minus strand); the first of 5 consecutive A bases (chr5:13,716,546-13,716,550); duplicating any one gives the same sequence. VCF-style (leftmost placement, unchanged base first): chr5-13716545-T-TA. GRCh37 (hg19) VCF-style: chr5-13716654-T-TA.
Other names: short protein forms Y4284fs.
Identifiers: ClinVar variation 842179 (VCV000842179.8), dbSNP rs1744302993, ClinGen allele CA916082693.

ClinVar aggregate classification (germline): Pathogenic (1 of 4 stars; one submission).

Conditions:
Primary ciliary dyskinesia. Also called: Ciliary dyskinesia. Identifiers: Orphanet 244, MedGen C0008780, MONDO:0016575, HP:0012265.

Submission:

Labcorp Genetics (formerly Invitae), Labcorp
Classification: Pathogenic for Primary ciliary dyskinesia. Last evaluated: 2026-01-19. Review status: criteria provided, single submitter. Criteria: Invitae Variant Classification Sherloc (09022015). Collection method: clinical testing. Allele origin: germline.
Comment: This sequence change creates a premature translational stop signal (p.Tyr4284Leufs*14) in the DNAH5 gene. It is expected to result in an absent or disrupted protein product. Loss-of-function variants in DNAH5 are known to be pathogenic (PMID: 11788826, 16627867). This variant is not present in population databases (gnomAD no frequency). This variant has not been reported in the literature in individuals affected with DNAH5-related conditions. ClinVar contains an entry for this variant (Variation ID: 842179). Algorithms developed to predict the effect of sequence changes on RNA splicing suggest that this variant may disrupt the consensus splice site. For these reasons, this variant has been classified as Pathogenic.

Literature cited by the submitters: PubMed 11788826; PubMed 16627867.